The following is an entry in ClinVar:

ClinVar aggregate classification (germline): Uncertain significance (1 of 4 stars; one submission).

Conditions:
Deficiency of alpha-mannosidase (MANSA). Also called: LYSOSOMAL ALPHA-D-MANNOSIDASE DEFICIENCY; Alpha-Mannosidosis; Mannosidosis, alpha-, types I and II. Identifiers: Orphanet 61, MedGen C0024748, MONDO:0009561, OMIM 248500.

Allele frequency attached by ClinVar (database versions not stated): gnomAD 0.00001; gnomAD exomes 0.00001; TOPMed 0.00002.
gnomAD v4.1: 13 of 1,609,418 alleles (0.00081%); highest among the groups gnomAD compares: Non-Finnish European, 0.001%; no homozygotes.

Submission:

Labcorp Genetics (formerly Invitae), Labcorp
Classification: Uncertain significance for Deficiency of alpha-mannosidase. Last evaluated: 2022-06-24. Review status: criteria provided, single submitter. Criteria: Invitae Variant Classification Sherloc (09022015). Collection method: clinical testing. Allele origin: germline.
Comment: This sequence change replaces valine, which is neutral and non-polar, with methionine, which is neutral and non-polar, at codon 583 of the MAN2B1 protein (p.Val583Met). This variant is not present in population databases (gnomAD no frequency). This variant has not been reported in the literature in individuals affected with MAN2B1-related conditions. Algorithms developed to predict the effect of missense changes on protein structure and function output the following: SIFT: "Tolerated"; PolyPhen-2: "Benign"; Align-GVGD: "Class C0". The methionine amino acid residue is found in multiple mammalian species, which suggests that this missense change does not adversely affect protein function. In summary, the available evidence is currently insufficient to determine the role of this variant in disease. Therefore, it has been classified as a Variant of Uncertain Significance.

NM_000528.4(MAN2B1):c.1747G>A (p.Val583Met)

Gene: MAN2B1 (mannosidase alpha class 2B member 1; minus strand). Cytogenetic location: 19p13.13.
Variant type: single nucleotide variant.
Coding change: c.1747G>A on transcript NM_000528.4 (MANE Select); coding-DNA position 1747, G replaced by A.
Protein change: p.Val583Met; replaces valine 583 with methionine.
Molecular consequence: missense variant.
Genome position (GRCh38, 1-based): chr19:12,655,777, C>T on the plus strand (G>A on the coding strand, the complement: MAN2B1 is on the minus strand). VCF-style: chr19-12655777-C-T. GRCh37 (hg19) VCF-style: chr19-12766591-C-T.
Other names: c.1744G>A, p.Val582Met (NM_001173498.2); short protein forms V583M, V582M.
Identifiers: ClinVar variation 2185715 (VCV002185715.1), dbSNP rs1452897678, ClinGen allele CA404244850.